The following is an entry in ClinVar:

NM_001351132.2(PEX5):c.1837A>G (p.Met613Val)

Gene: PEX5 (peroxisomal biogenesis factor 5; plus strand). Cytogenetic location: 12p13.31.
Variant type: single nucleotide variant.
Coding change: c.1837A>G on transcript NM_001351132.2 (MANE Select); coding-DNA position 1837, A replaced by G.
Protein change: p.Met613Val; replaces methionine 613 with valine.
Molecular consequence: missense variant.
Genome position (GRCh38, 1-based): chr12:7,210,140, A>G. VCF-style: chr12-7210140-A-G. GRCh37 (hg19) VCF-style: chr12-7362736-A-G.
Other names: c.1813A>G, p.Met605Val (NM_000319.5); c.1882A>G, p.Met628Val (NM_001131023.2); c.1726A>G, p.Met576Val (NM_001131024.2, NM_001351124.3, NM_001351126.2 and 7 more transcripts); c.1837A>G, p.Met613Val (NM_001131025.2, NM_001131026.2, NM_001300789.3 and 4 more transcripts); c.1771A>G, p.Met591Val (NM_001351135.3, NM_001351138.2); c.1828A>G, p.Met610Val (NM_001351136.2); c.1702A>G, p.Met568Val (NM_001351139.2, NM_001351140.2, NM_001374649.2); short protein forms M568V, M576V, M605V, M610V, M628V, M591V, M613V.
Identifiers: ClinVar variation 858721 (VCV000858721.7), dbSNP rs765623850, ClinGen allele CA6426599.

ClinVar aggregate classification (germline): Uncertain significance. Review status: criteria provided, multiple submitters, no conflicts (2 of 4 stars). 2 submissions from 2 submitters: Uncertain significance (2). Last evaluated 2024-10-08.

Conditions:
Peroxisome biogenesis disorder 2B (PBD2B). Identifiers: Orphanet 44, MedGen C3550234, MONDO:0008736, OMIM 202370.

Allele frequency attached by ClinVar (database versions not stated): TOPMed below 0.00001; ExAC 0.00002; gnomAD 0.00002; gnomAD exomes 0.00002 and 0.00005.
gnomAD v4.1: 76 of 1,614,068 alleles (0.0047%); highest among the groups gnomAD compares: Non-Finnish European, 0.0046%; no homozygotes.

Submissions (2):

Labcorp Genetics (formerly Invitae), Labcorp
Classification: Uncertain significance for Peroxisome biogenesis disorder 2B. Last evaluated: 2024-10-08. Review status: criteria provided, single submitter. Criteria: Invitae Variant Classification Sherloc (09022015). Collection method: clinical testing. Allele origin: germline.
Comment: This sequence change replaces methionine, which is neutral and non-polar, with valine, which is neutral and non-polar, at codon 613 of the PEX5 protein (p.Met613Val). This variant is present in population databases (rs765623850, gnomAD 0.02%). This variant has not been reported in the literature in individuals affected with PEX5-related conditions. ClinVar contains an entry for this variant (Variation ID: 858721). Invitae Evidence Modeling of protein sequence and biophysical properties (such as structural, functional, and spatial information, amino acid conservation, physicochemical variation, residue mobility, and thermodynamic stability) indicates that this missense variant is not expected to disrupt PEX5 protein function with a negative predictive value of 80%. In summary, the available evidence is currently insufficient to determine the role of this variant in disease. Therefore, it has been classified as a Variant of Uncertain Significance.

Blueprint Genetics
Classification: Uncertain significance. Last evaluated: 2022-08-04. Review status: criteria provided, single submitter. Criteria: ACMG Guidelines, 2015. Collection method: clinical testing. Allele origin: germline.